The following is an entry in ClinVar:

ClinVar aggregate classification (germline): Likely pathogenic (1 of 4 stars; one submission).

Conditions:
Neuromuscular disease caused by qualitative or quantitative defects of dystrophin. Also called: Qualitative or quantitative defects of dystrophin. Identifiers: Orphanet 207085, MedGen C5679787, MONDO:0016147.

Submission:

Women's Health and Genetics/Laboratory Corporation of America, LabCorp
Classification: Likely pathogenic for Neuromuscular disease caused by qualitative or quantitative defects of dystrophin. Last evaluated: 2023-03-20. Review status: criteria provided, single submitter. Criteria: LabCorp Variant Classification Summary - May 2015. Collection method: clinical testing. Allele origin: germline.
Comment: Variant summary: The variant identified by MLPA or other technology involves the duplication of exons 56-59 in the DMD gene. A presumed nomenclature of c.(8217+1_8218-1)_(8937+1_8938-1)dup has been designated for the purposes of this classification. It has been assumed that this is a tandem duplication in direct orientation (Richardson_GIM_2018, Newman_AJHG_2015). Although exact breakpoints of this duplication are not known, it is expected to result in a large in-frame duplication change in the DMD gene. The variant was absent in 15814 control chromosomes in the gnomAD database, structural variants dataset. c.(8217+1_8218-1)_(8937+1_8938-1)dup has been reported in the literature in at least 3 male patients affected with Dystrophinopathies (Neri_2020, Zinina_2022). These data indicate that the variant may be associated with disease. In addition, smaller in-frame duplication variants within this region are also reported in affected individuals (LOVD, HGMD). To our knowledge, no experimental evidence demonstrating an impact on protein function has been reported. One submitter has provided a clinical-significance assessment for this variant to ClinVar after 201, and classified the variant as uncertain significance. Based on the evidence outlined above, the variant was classified as likely pathogenic.

Literature cited by the submitters: PubMed 32194622; PubMed 36361501.

NC_000023.10:g.(31462745_31496222)_(31525571_31645789)dup

Gene: DMD (dystrophin; minus strand). Cytogenetic location: Xp21.2-21.1.
Variant type: Duplication.
Identifiers: ClinVar variation 2501150 (VCV002501150.1).